The following is an entry in ClinVar:

NM_016335.6(PRODH):c.1515_1516inv (p.Ala506Thr)

Gene: PRODH (proline dehydrogenase 1; minus strand). Cytogenetic location: 22q11.21.
Variant type: Inversion.
Coding change: c.1515_1516inv on transcript NM_016335.6 (MANE Select).
Protein change: p.Ala506Thr; replaces alanine 506 with threonine.
Molecular consequence: missense variant.
Genome position: GRCh38 VCF-style: chr22-18916900-CA-TG. GRCh37 (hg19) VCF-style: chr22-18904413-CA-TG.
Other names: c.1191_1192inv, p.Ala398Thr (NM_001195226.2, NM_001368250.2); short protein forms A398T, A506T.
Identifiers: ClinVar variation 2076123 (VCV002076123.4), ClinGen allele CA2580099174.

ClinVar aggregate classification (germline): Uncertain significance (1 of 4 stars; one submission).

Conditions:
Proline dehydrogenase deficiency (HYRPRO1). Also called: Hyperprolinemia type 1; PROLINE OXIDASE DEFICIENCY. Identifiers: Orphanet 419, MedGen C0268529, MONDO:0009400, OMIM 239500.

Submission:

Labcorp Genetics (formerly Invitae), Labcorp
Classification: Uncertain significance for Proline dehydrogenase deficiency. Last evaluated: 2022-06-14. Review status: criteria provided, single submitter. Criteria: Invitae Variant Classification Sherloc (09022015). Collection method: clinical testing. Allele origin: germline.
Comment: In summary, the available evidence is currently insufficient to determine the role of this variant in disease. Therefore, it has been classified as a Variant of Uncertain Significance. Experimental studies and prediction algorithms are not available or were not evaluated, and the functional significance of this variant is currently unknown. This variant has not been reported in the literature in individuals affected with PRODH-related conditions. Information on the frequency of this variant in the gnomAD database is not available, as this variant may be reported differently in the database. This variant, c.1515_1516delinsCA, is a complex sequence change that results in the a missense change of 1 amino acid(s) in the PRODH protein (p.Ala506Thr).